The following is an entry in ClinVar:

ClinVar aggregate classification (germline): Uncertain significance. Review status: criteria provided, multiple submitters, no conflicts (2 of 4 stars). 2 submissions from 2 submitters: Uncertain significance (2). Last evaluated 2025-01-06.

Conditions:
Early-infantile DEE. Also called: Early infantile epileptic encephalopathy; Early infantile epileptic encephalopathy with suppression bursts; Ohtahara syndrome. Identifiers: Orphanet 1934, MedGen C0393706, MONDO:0800491.

Submissions (2):

GeneDx
Classification: Uncertain significance. Last evaluated: 2025-01-06. Review status: criteria provided, single submitter. Criteria: GeneDx Variant Classification Process June 2021. Collection method: clinical testing. Allele origin: germline. Affected: yes.
Comment: Not observed at significant frequency in large population cohorts (gnomAD); In silico analysis supports that this missense variant has a deleterious effect on protein structure/function; This substitution is predicted to be within the extracellular loop between the S5 and S6 transmembrane segments of the fourth homologous domain; Has not been previously published as pathogenic or benign to our knowledge

Labcorp Genetics (formerly Invitae), Labcorp
Classification: Uncertain significance for Early-infantile DEE. Last evaluated: 2022-02-13. Review status: criteria provided, single submitter. Criteria: Invitae Variant Classification Sherloc (09022015). Collection method: clinical testing. Allele origin: germline.
Comment: This sequence change replaces proline, which is neutral and non-polar, with serine, which is neutral and polar, at codon 1743 of the SCN1A protein (p.Pro1743Ser). This variant is not present in population databases (gnomAD no frequency). This variant has not been reported in the literature in individuals affected with SCN1A-related conditions. Algorithms developed to predict the effect of missense changes on protein structure and function (SIFT, PolyPhen-2, Align-GVGD) all suggest that this variant is likely to be disruptive. In summary, the available evidence is currently insufficient to determine the role of this variant in disease. Therefore, it has been classified as a Variant of Uncertain Significance.

NM_001165963.4(SCN1A):c.5227C>T (p.Pro1743Ser)

Genes: SCN1A (sodium voltage-gated channel alpha subunit 1; minus strand), LOC102724058 (uncharacterized LOC102724058; plus strand). Cytogenetic location: 2q24.3.
Variant type: single nucleotide variant.
Coding change: c.5227C>T on transcript NM_001165963.4 (MANE Select); coding-DNA position 5227, C replaced by T.
Protein change: p.Pro1743Ser; replaces proline 1743 with serine.
Molecular consequence: missense variant. On other transcripts: non-coding transcript variant (1).
Genome position (GRCh38, 1-based): chr2:165,992,048, G>A on the plus strand (C>T on the coding strand, the complement: SCN1A is on the minus strand). VCF-style: chr2-165992048-G-A. GRCh37 (hg19) VCF-style: chr2-166848558-G-A.
Other names: c.5227C>T (NM_001165963.1); c.5191C>T, p.Pro1731Ser (NM_001353955.2, NM_001353954.2); c.5143C>T, p.Pro1715Ser (NM_001353957.2, NM_001353958.2, NM_001165964.3); c.5140C>T, p.Pro1714Ser (NM_001353960.2); c.2785C>T, p.Pro929Ser (NM_001353961.2); c.5194C>T, p.Pro1732Ser (NM_006920.6, NM_001353949.2, NM_001353950.2 and 2 more transcripts); c.5227C>T, p.Pro1743Ser (NM_001202435.3, NM_001353948.2); short protein forms P1714S, P1715S, P1743S, P1732S, P1731S, P929S.
Identifiers: ClinVar variation 2097486 (VCV002097486.5), dbSNP rs2468335392, ClinGen allele CA349068495.